The following is an entry in ClinVar:

ClinVar aggregate classification (germline): Conflicting classifications of pathogenicity. Review status: criteria provided, conflicting classifications (1 of 4 stars). 4 submissions from 4 submitters: Pathogenic (1); Likely pathogenic (2); Uncertain significance (1). Last evaluated 2025-10-01.

Conditions:
Duchenne muscular dystrophy (DMD). Also called: MUSCULAR DYSTROPHY, PSEUDOHYPERTROPHIC PROGRESSIVE, DUCHENNE TYPE; Duchenne Muscular Dystrophy (DMD). Identifiers: Orphanet 98896, MedGen C0013264, MONDO:0010679, OMIM 310200.

Submissions (4):

Labcorp Genetics (formerly Invitae), Labcorp
Classification: Pathogenic for Duchenne muscular dystrophy. Last evaluated: 2025-10-01. Review status: criteria provided, single submitter. Criteria: Invitae Variant Classification Sherloc (09022015). Collection method: clinical testing. Allele origin: germline.
Comment: This variant, c.10097_10099del, results in the deletion of 1 amino acid(s) of the DMD protein (p.Gly3366del), but otherwise preserves the integrity of the reading frame. This variant is not present in population databases (gnomAD no frequency). This variant has been observed in individual(s) with Duchenne muscular dystrophy (PMID: 19937601, 28859693, 36697461; internal data). In at least one individual the variant was observed to be de novo. ClinVar contains an entry for this variant (Variation ID: 409880). Experimental studies and prediction algorithms are not available or were not evaluated, and the functional significance of this variant is currently unknown. For these reasons, this variant has been classified as Pathogenic.

Revvity Omics, Revvity
Classification: Likely pathogenic. Last evaluated: 2023-03-23. Review status: criteria provided, single submitter. Criteria: ACMG Guidelines, 2015. Collection method: clinical testing. Allele origin: germline.

Mendelics
Classification: Uncertain significance for Duchenne muscular dystrophy. Last evaluated: 2019-05-28. Review status: criteria provided, single submitter. Criteria: Mendelics Assertion Criteria 2017. Collection method: clinical testing. Allele origin: unknown.

Genomic Diagnostics Laboratory, National Institute of Medical Genomics
Classification: Likely pathogenic for Duchenne muscular dystrophy. Review status: criteria provided, single submitter. Criteria: ACMG Guidelines, 2015. Collection method: research. Allele origin: germline. Affected: yes.

Literature cited by the submitters: PubMed 19937601 (cited by Labcorp Genetics (formerly Invitae), Labcorp); PubMed 28859693 (cited by Labcorp Genetics (formerly Invitae), Labcorp); PubMed 36697461 (cited by Labcorp Genetics (formerly Invitae), Labcorp).

NM_004006.3(DMD):c.10097_10099del (p.Gly3366del)

Gene: DMD (dystrophin; minus strand). Cytogenetic location: Xp21.2.
Variant type: Deletion.
Coding change: c.10097_10099del on transcript NM_004006.3 (MANE Select); coding-DNA positions 10097 to 10099, 3 bases deleted (GAG; older notation c.10097_10099delGAG).
Protein change: p.Gly3366del; deletes glycine 3366.
Molecular consequence: inframe deletion.
Genome position (GRCh38, 1-based): chrX:31,178,793-31,178,795, CTC deleted on the plus strand (GAG on the coding strand, the reverse complement: DMD is on the minus strand); deleting any 3 consecutive bases within chrX:31,178,793-31,178,797 gives the same sequence; the c. name uses the placement nearest the transcript's 3' end. VCF-style (leftmost placement, unchanged base first): chrX-31178792-TCTC-T. GRCh37 (hg19) VCF-style: chrX-31196909-TCTC-T.
Other names: c.10097_10099delGAG (NM_004006.2, NM_004006.3); c.10073_10075del, p.Gly3358del (NM_000109.4); c.10085_10087del, p.Gly3362del (NM_004009.3); c.9728_9730del, p.Gly3243del (NM_004010.3); c.6074_6076del, p.Gly2025del (NM_004011.4); c.6065_6067del, p.Gly2022del (NM_004012.4); c.2717_2719del, p.Gly906del (NM_004013.3, NM_004020.4, NM_004021.3 and 2 more transcripts); c.1910_1912del, p.Gly637del (NM_004014.3); and 1 more; short protein forms G298del, G3358del, G2025del, G3243del, G637del, G3362del, G2022del, G906del.
Identifiers: ClinVar variation 409880 (VCV000409880.16), dbSNP rs1060502613, ClinGen allele CA16616476.